The following is an entry in ClinVar:

NM_002087.4(GRN):c.160A>G (p.Ser54Gly)

Gene: GRN (granulin precursor; plus strand). Cytogenetic location: 17q21.31.
Variant type: single nucleotide variant.
Coding change: c.160A>G on transcript NM_002087.4 (MANE Select); coding-DNA position 160, A replaced by G.
Protein change: p.Ser54Gly; replaces serine 54 with glycine.
Molecular consequence: missense variant.
Genome position (GRCh38, 1-based): chr17:44,349,447, A>G. VCF-style: chr17-44349447-A-G. GRCh37 (hg19) VCF-style: chr17-42426815-A-G.
Other names: short protein forms S54G.
Identifiers: ClinVar variation 1419485 (VCV001419485.6), dbSNP rs2143326730, ClinGen allele CA399759637.

ClinVar aggregate classification (germline): Uncertain significance (1 of 4 stars; one submission).

Conditions:
Neuronal ceroid lipofuscinosis 11. Also called: GRN-Related Neuronal Ceroid-Lipofuscinosis. Identifiers: Orphanet 314629, Orphanet 79262, MedGen C3539123, MONDO:0013866, OMIM 614706.
GRN-related frontotemporal lobar degeneration with Tdp43 inclusions (FTD2). Also called: DEMENTIA, HEREDITARY DYSPHASIC DISINHIBITION; FRONTOTEMPORAL LOBAR DEGENERATION WITH UBIQUITIN-POSITIVE INCLUSIONS; FTLD-TDP, GRN-RELATED; GRN Frontotemporal Dementia; FRONTOTEMPORAL DEMENTIA WITH TDP43 INCLUSIONS, GRN-RELATED. Identifiers: Orphanet 100070, Orphanet 282, MedGen C1843792, MONDO:0011842, OMIM 607485. Disease mechanism: loss of function.

Allele frequency attached by ClinVar (database versions not stated): gnomAD exomes below 0.00001.
gnomAD v4.1: 2 of 1,614,218 alleles (0.00012%); highest among the groups gnomAD compares: Non-Finnish European, 0.00017%; no homozygotes.

Submission:

Labcorp Genetics (formerly Invitae), Labcorp
Classification: Uncertain significance for Neuronal ceroid lipofuscinosis 11; GRN-related frontotemporal lobar degeneration with Tdp43 inclusions. Last evaluated: 2022-06-27. Review status: criteria provided, single submitter. Criteria: Invitae Variant Classification Sherloc (09022015). Collection method: clinical testing. Allele origin: germline.
Comment: In summary, the available evidence is currently insufficient to determine the role of this variant in disease. Therefore, it has been classified as a Variant of Uncertain Significance. Algorithms developed to predict the effect of missense changes on protein structure and function output the following: SIFT: "Tolerated"; PolyPhen-2: "Possibly Damaging"; Align-GVGD: "Class C0". The glycine amino acid residue is found in multiple mammalian species, which suggests that this missense change does not adversely affect protein function. This variant has not been reported in the literature in individuals affected with GRN-related conditions. This variant is not present in population databases (gnomAD no frequency). This sequence change replaces serine, which is neutral and polar, with glycine, which is neutral and non-polar, at codon 54 of the GRN protein (p.Ser54Gly).